The following is an entry in ClinVar:

ClinVar aggregate classification (germline): Pathogenic (1 of 4 stars; one submission).

Conditions:
Congenital adrenal hyperplasia. Identifiers: Orphanet 418, MedGen C0001627, MONDO:0018479, HP:0008258.

Submission:

Women's Health and Genetics/Laboratory Corporation of America, LabCorp
Classification: Pathogenic for Congenital adrenal hyperplasia. Last evaluated: 2024-12-30. Review status: criteria provided, single submitter. Criteria: LabCorp Variant Classification Summary - May 2015. Collection method: clinical testing. Allele origin: germline.
Comment: Variant summary: The variant involves the deletion of exon 3 in the CYP21A2 gene. A presumed nomenclature of c.(292+1_293-1)_(447+1_448-1)del has been designated for the purposes of this classification. This Copy Number Variant (CNV) is expected to alter the reading frame and predicted to result in a truncation or absence of the encoded protein due to nonsense mediated decay (NMD). The frequency of this variant in the general population could not be determined as the technology used for large population databases (ExAC, gnomAD, ESP, 1000G) cannot detect variants of this type. To our knowledge, no occurrence of c.(292+1_293-1)_(447+1_448-1)del in individuals affected with Congenital Adrenal Hyperplasia and no experimental evidence demonstrating its impact on protein function have been reported. No submitters have cited clinical-significance assessments for this variant to ClinVar. Based on the evidence outlined above, the variant was classified as pathogenic.

NC_000006.11:g.(32006589_32006870)_(32007026_32007132)del

Gene: CYP21A2 (cytochrome P450 family 21 subfamily A member 2; plus strand). Cytogenetic location: 6p21.33.
Variant type: Deletion.
Identifiers: ClinVar variation 3768070 (VCV003768070.1).